The following is an entry in ClinVar:

ClinVar aggregate classification (germline): Uncertain significance (1 of 4 stars; one submission).

Allele frequency attached by ClinVar (database versions not stated): gnomAD exomes below 0.00001; TOPMed below 0.00001; gnomAD 0.00001.
gnomAD v4.1: 2 of 1,613,978 alleles (0.00012%); highest among the groups gnomAD compares: Non-Finnish European, 0.00017%; no homozygotes.

Submission:

GeneDx
Classification: Uncertain significance. Last evaluated: 2022-05-27. Review status: criteria provided, single submitter. Criteria: GeneDx Variant Classification Process June 2021. Collection method: clinical testing. Allele origin: germline. Affected: yes.
Comment: Not observed at significant frequency in large population cohorts (gnomAD); In silico analysis supports that this missense variant does not alter protein structure/function; Has not been previously published as pathogenic or benign to our knowledge

NM_001370466.1(NOD2):c.872C>T (p.Ala291Val)

Gene: NOD2 (nucleotide binding oligomerization domain containing 2; plus strand). Cytogenetic location: 16q12.1.
Variant type: single nucleotide variant.
Coding change: c.872C>T on transcript NM_001370466.1 (MANE Select); coding-DNA position 872, C replaced by T.
Protein change: p.Ala291Val; replaces alanine 291 with valine.
Molecular consequence: missense variant. On other transcripts: non-coding transcript variant (1).
Genome position (GRCh38, 1-based): chr16:50,710,864, C>T. VCF-style: chr16-50710864-C-T. GRCh37 (hg19) VCF-style: chr16-50744775-C-T.
Other names: c.872C>T, p.Ala291Val (NM_001293557.2); c.953C>T, p.Ala318Val (NM_022162.3); short protein forms A291V, A318V.
Identifiers: ClinVar variation 1801047 (VCV001801047.1), dbSNP rs1455956071, ClinGen allele CA395867912.